The following is an entry in ClinVar:

NM_003590.5(CUL3):c.2119A>G (p.Ile707Val)

Gene: CUL3 (cullin 3; minus strand). Cytogenetic location: 2q36.2.
Variant type: single nucleotide variant.
Coding change: c.2119A>G on transcript NM_003590.5 (MANE Select); coding-DNA position 2119, A replaced by G.
Protein change: p.Ile707Val; replaces isoleucine 707 with valine.
Molecular consequence: missense variant.
Genome position (GRCh38, 1-based): chr2:224,478,256, T>C on the plus strand (A>G on the coding strand, the complement: CUL3 is on the minus strand). VCF-style: chr2-224478256-T-C. GRCh37 (hg19) VCF-style: chr2-225342973-T-C.
Other names: p.Ile707Val; c.1921A>G, p.Ile641Val (NM_001257197.2); c.2137A>G, p.Ile713Val (NM_001257198.2); short protein forms I641V, I707V, I713V.
Identifiers: ClinVar variation 3901851 (VCV003901851.1).
Genomic context (GRCh38, chr2:224,478,256, plus strand): 5'-TCACCTCCGCTACTAGAACATTGTGCTGCATCTTCTTTCTAGATTTCATTATCCGCACTA[T>C]AGCAGCTTCTATCTCATGTTTTCTGTCGTCGTCTACTTTCTGCCTTGTTTCTTTCCTCTC-3'
Protein context (NP_003581.1, residues 697-717): DDRKHEIEAA[Ile707Val]VRIMKSRKKM

ClinVar aggregate classification (germline): Uncertain significance (1 of 4 stars; one submission).

Conditions:
Neurodevelopmental disorder with or without autism or seizures (NEDAUS). Identifiers: MedGen C5543225, MONDO:0030994, OMIM 619239.

gnomAD v4.1: 22 of 1,613,788 alleles (0.0014%); highest among the groups gnomAD compares: East Asian, 0.0022%; no homozygotes.

Submission:

Foundation for Research in Genetics and Endocrinology, FRIGE's Institute of Human Genetics
Classification: Uncertain significance for Neurodevelopmental disorder with or without autism or seizures. Last evaluated: 2025-05-12. Review status: criteria provided, single submitter. Criteria: ACMG Guidelines, 2015. Collection method: clinical testing. Allele origin: germline. Inheritance: Autosomal dominant inheritance. Affected: yes. Observed: 1 heterozygote.
Comment: A heterozygous missense variant in exon 15 of the CUL3 gene that results in the amino acid substitution of Valine for Isoleucine at codon 707 (p.Ile707Val) was detected. The p.Ile707Val variant has not been reported in the 1000 genomes databases and has a minor allele frequency of 0.0007%, 0.002% and 0.002% in the gnomAD (v3.1), gnomAD (v2.1), topmed databases respectively. The in-silico predictions of the variant is damaging by SIFT and LRT. The reference codon is conserved across species. In summary, the variant meets our criteria to be classified as variant of uncertain significance.